The following is an entry in ClinVar:

NM_020738.4(KIDINS220):c.174T>G (p.Ile58Met)

Gene: KIDINS220 (kinase D interacting substrate 220; minus strand). Cytogenetic location: 2p25.1.
Variant type: single nucleotide variant.
Coding change: c.174T>G on transcript NM_020738.4 (MANE Select); coding-DNA position 174, T replaced by G.
Protein change: p.Ile58Met; replaces isoleucine 58 with methionine.
Molecular consequence: missense variant. On other transcripts: non-coding transcript variant (2).
Genome position (GRCh38, 1-based): chr2:8,818,728, A>C on the plus strand (T>G on the coding strand, the complement: KIDINS220 is on the minus strand). VCF-style: chr2-8818728-A-C. GRCh37 (hg19) VCF-style: chr2-8958858-A-C.
Other names: c.174T>G, p.Ile58Met (NM_001348729.2, NM_001348731.2, NM_001348732.2 and 9 more transcripts); c.48T>G, p.Ile16Met (NM_001348736.2); short protein forms I16M, I58M.
Identifiers: ClinVar variation 1502129 (VCV001502129.8), dbSNP rs369363850, ClinGen allele CA1520510.

ClinVar aggregate classification (germline): Uncertain significance (1 of 4 stars; one submission).

Allele frequency attached by ClinVar (database versions not stated): gnomAD exomes below 0.00001 and 0.00001; ExAC 0.00001; gnomAD 0.00001; TOPMed 0.00004; ESP Exome Variant Server 0.00008; 1000 Genomes Project 30x 0.00016; 1000 Genomes Project 0.00020.
gnomAD v4.1: 4 of 1,606,024 alleles (0.00025%); highest among the groups gnomAD compares: African/African-American, 0.0053%; no homozygotes.

Submission:

Labcorp Genetics (formerly Invitae), Labcorp
Classification: Uncertain significance. Last evaluated: 2023-09-13. Review status: criteria provided, single submitter. Criteria: Invitae Variant Classification Sherloc (09022015). Collection method: clinical testing. Allele origin: germline.
Comment: ClinVar contains an entry for this variant (Variation ID: 1502129). In summary, the available evidence is currently insufficient to determine the role of this variant in disease. Therefore, it has been classified as a Variant of Uncertain Significance. An algorithm developed to predict the effect of missense changes on protein structure and function (PolyPhen-2) suggests that this variant is likely to be disruptive. This variant has not been reported in the literature in individuals affected with KIDINS220-related conditions. This variant is present in population databases (rs369363850, gnomAD 0.01%). This sequence change replaces isoleucine, which is neutral and non-polar, with methionine, which is neutral and non-polar, at codon 58 of the KIDINS220 protein (p.Ile58Met).